The following is an entry in ClinVar:

NM_001142800.2(EYS):c.1069A>C (p.Ile357Leu)

Gene: EYS (EGF-like photoreceptor maintenance factor; minus strand). Cytogenetic location: 6q12.
Variant type: single nucleotide variant.
Coding change: c.1069A>C on transcript NM_001142800.2 (MANE Select); coding-DNA position 1069, A replaced by C.
Protein change: p.Ile357Leu; replaces isoleucine 357 with leucine.
Molecular consequence: missense variant.
Genome position (GRCh38, 1-based): chr6:65,402,593, T>G on the plus strand (A>C on the coding strand, the complement: EYS is on the minus strand). VCF-style: chr6-65402593-T-G. GRCh37 (hg19) VCF-style: chr6-66112486-T-G.
Other names: c.1069A>C (NM_001142800.1); c.1069A>C, p.Ile357Leu (NM_001142801.2, NM_001292009.2, NM_198283.2); short protein forms I357L.
Identifiers: ClinVar variation 1015781 (VCV001015781.7), dbSNP rs1391157136, ClinGen allele CA364662505.
Genomic context (GRCh38, chr6:65,402,593, plus strand): 5'-ATGACTCACATGATGTTTGAATGCTCTTACAAAGCAAATCTGTAAATATTGGTGAACAGA[T>G]GCACATAACATCCTAGGAAAGATTAAAAAAATATTTTTACAAAGTATTATGGATATTTCA-3'
Protein context (NP_001136272.1, residues 347-367): CIKISNDVMC[Ile357Leu]CSPIFTDLLC

ClinVar aggregate classification (germline): Uncertain significance. Review status: criteria provided, multiple submitters, no conflicts (2 of 4 stars). 2 submissions from 2 submitters: Uncertain significance (2). Last evaluated 2025-10-29.

Conditions:
Inborn genetic diseases. Identifiers: MedGen C0950123, MeSH D030342.

Allele frequency attached by ClinVar (database versions not stated): TOPMed below 0.00001.
gnomAD v4.1: 3 of 1,576,212 alleles (0.00019%); highest among the groups gnomAD compares: Non-Finnish European, 0.00026%; no homozygotes.

Submissions (2):

Ambry Genetics
Classification: Uncertain significance for Inborn genetic diseases. Last evaluated: 2025-10-29. Review status: criteria provided, single submitter. Criteria: Ambry Variant Classification Scheme 2023. Collection method: clinical testing. Allele origin: germline.

Labcorp Genetics (formerly Invitae), Labcorp
Classification: Uncertain significance. Last evaluated: 2021-08-20. Review status: criteria provided, single submitter. Criteria: Invitae Variant Classification Sherloc (09022015). Collection method: clinical testing. Allele origin: germline.
Comment: This sequence change replaces isoleucine with leucine at codon 357 of the EYS protein (p.Ile357Leu). The isoleucine residue is moderately conserved and there is a small physicochemical difference between isoleucine and leucine. This variant is not present in population databases (ExAC no frequency). This variant has not been reported in the literature in individuals affected with EYS-related conditions. Algorithms developed to predict the effect of missense changes on protein structure and function (SIFT, PolyPhen-2, Align-GVGD) all suggest that this variant is likely to be tolerated. In summary, the available evidence is currently insufficient to determine the role of this variant in disease. Therefore, it has been classified as a Variant of Uncertain Significance.